The following is an entry in ClinVar:

NM_201384.3(PLEC):c.584C>T (p.Ala195Val)

Gene: PLEC (plectin; minus strand). Cytogenetic location: 8q24.3.
Variant type: single nucleotide variant.
Coding change: c.584C>T on transcript NM_201384.3 (MANE Select); coding-DNA position 584, C replaced by T.
Protein change: p.Ala195Val; replaces alanine 195 with valine.
Molecular consequence: missense variant.
Genome position (GRCh38, 1-based): chr8:143,935,866, G>A on the plus strand (C>T on the coding strand, the complement: PLEC is on the minus strand). VCF-style: chr8-143935866-G-A. GRCh37 (hg19) VCF-style: chr8-145010034-G-A.
Other names: c.665C>T, p.Ala222Val (NM_000445.5, NM_001410941.1); c.542C>T, p.Ala181Val (NM_201378.4); c.518C>T, p.Ala173Val (NM_201379.3); c.995C>T, p.Ala332Val (NM_201380.4); c.488C>T, p.Ala163Val (NM_201381.3); c.584C>T, p.Ala195Val (NM_201382.4); c.596C>T, p.Ala199Val (NM_201383.3); short protein forms A163V, A173V, A181V, A195V, A199V, A222V, A332V.
Identifiers: ClinVar variation 1710613 (VCV001710613.5), dbSNP rs782111264, ClinGen allele CA4928401.

ClinVar aggregate classification (germline): Uncertain significance. Review status: criteria provided, multiple submitters, no conflicts (2 of 4 stars). 3 submissions from 3 submitters: Uncertain significance (3). Last evaluated 2025-06-27.

Allele frequency attached by ClinVar (database versions not stated): gnomAD exomes below 0.00001; ExAC 0.00001.
gnomAD v4.1: 2 of 1,612,950 alleles (0.00012%); highest among the groups gnomAD compares: Non-Finnish European, 0.00017%; no homozygotes.

Submissions (3):

Dasa
Classification: Uncertain significance. Last evaluated: 2025-06-27. Review status: criteria provided, single submitter. Criteria: DASA Assertion Criteria. Collection method: clinical testing. Allele origin: germline.
Comment: NM_201384.3(PLEC):c.584C>T (p.Ala195Val) is a missense variant that results in the substitution of alanine with valine. This variant is rare in population databases. Computational prediction algorithms are consistent with a deleterious effect. The currently available literature and clinical evidence are not sufficient to establish a definitive association between this variant and the reported condition. Therefore, this variant is classified as a variant of uncertain significance.

Revvity Omics, Revvity
Classification: Uncertain significance. Last evaluated: 2024-09-06. Review status: criteria provided, single submitter. Criteria: ACMG Guidelines, 2015. Collection method: clinical testing. Allele origin: germline.

GeneDx
Classification: Uncertain significance. Last evaluated: 2022-04-15. Review status: criteria provided, single submitter. Criteria: GeneDx Variant Classification Process June 2021. Collection method: clinical testing. Allele origin: germline. Affected: yes.
Comment: Not observed at significant frequency in large population cohorts (gnomAD); In silico analysis supports that this missense variant has a deleterious effect on protein structure/function; Has not been previously published as pathogenic or benign to our knowledge